The following is an entry in ClinVar:

ClinVar aggregate classification (germline): Pathogenic (1 of 4 stars; one submission).

Conditions:
Pyridoxine-dependent epilepsy (EPEO4). Also called: Pyridoxine-Dependent Seizures; EPILEPSY, EARLY-ONSET, 4, VITAMIN B6-DEPENDENT; PYRIDOXINE DEPENDENCY WITH SEIZURES; Pyridoxine-Dependent Epilepsy - ALDH7A1. Identifiers: Orphanet 3006, MedGen C1849508, MONDO:0009945, OMIM 266100. Disease mechanism: loss of function.

Submission:

Labcorp Genetics (formerly Invitae), Labcorp
Classification: Pathogenic for Pyridoxine-dependent epilepsy. Last evaluated: 2025-10-11. Review status: criteria provided, single submitter. Criteria: Invitae Variant Classification Sherloc (09022015). Collection method: clinical testing. Allele origin: germline.
Comment: This sequence change creates a premature translational stop signal (p.Thr487Glnfs*31) in the ALDH7A1 gene. While this is not anticipated to result in nonsense mediated decay, it is expected to disrupt the last 53 amino acid(s) of the ALDH7A1 protein. This variant is not present in population databases (gnomAD no frequency). This variant has not been reported in the literature in individuals affected with ALDH7A1-related conditions. This variant disrupts a region of the ALDH7A1 protein in which other variant(s) (p. Ala495Thr) have been determined to be pathogenic (PMID: 23683770, 24789515). This suggests that this is a clinically significant region of the protein, and that variants that disrupt it are likely to be disease-causing. For these reasons, this variant has been classified as Pathogenic.

Literature cited by the submitters: PubMed 23683770; PubMed 24789515.

NM_001182.5(ALDH7A1):c.1459del (p.Thr487fs)

Gene: ALDH7A1 (aldehyde dehydrogenase 7 family member A1; minus strand). Cytogenetic location: 5q23.2.
Variant type: Deletion.
Coding change: c.1459del on transcript NM_001182.5 (MANE Select); coding-DNA position 1459, one base deleted (A; older notation c.1459delA).
Protein change: p.Thr487fs; shifts the reading frame from threonine 487.
Molecular consequence: frameshift variant.
Genome position (GRCh38, 1-based): chr5:126,549,959, T deleted on the plus strand (A on the coding strand, the reverse complement: ALDH7A1 is on the minus strand); the first of 2 consecutive T bases (chr5:126,549,959-126,549,960); deleting either gives the same sequence. VCF-style (leftmost placement, unchanged base first): chr5-126549958-GT-G. GRCh37 (hg19) VCF-style: chr5-125885650-GT-G.
Other names: c.1375del, p.Thr459fs (NM_001201377.2); c.1267del, p.Thr423fs (NM_001202404.2); short protein forms T423fs, T459fs, T487fs.
Identifiers: ClinVar variation 4782004 (VCV004782004.1).